The following is an entry in ClinVar:

ClinVar aggregate classification (germline): Uncertain significance. Review status: criteria provided, single submitter (1 of 4 stars). 3 submissions from 3 submitters: Uncertain significance (1). 2 of the submissions do not count toward it. Last evaluated 2024-01-06.

Conditions:
Hereditary breast ovarian cancer syndrome. Also called: Hereditary breast and ovarian cancer; Hereditary breast and ovarian cancer syndrome (HBOC); Breast and ovarian cancer; Hereditary breast and/or ovarian cancer syndrome; BRCA1- and BRCA2-Associated Hereditary Breast and Ovarian Cancer; Hereditary breast and ovarian cancer syndrome. Identifiers: Orphanet 145, MedGen C0677776, MeSH D061325, MONDO:0003582. Disease mechanism: loss of function.

Submissions (4):

Labcorp Genetics (formerly Invitae), Labcorp
Classification: Uncertain significance for Hereditary breast ovarian cancer syndrome. Last evaluated: 2024-01-06. Review status: criteria provided, single submitter. Criteria: Invitae Variant Classification Sherloc (09022015). Collection method: clinical testing. Allele origin: germline.
Comment: This sequence change replaces valine, which is neutral and non-polar, with glycine, which is neutral and non-polar, at codon 1832 of the BRCA1 protein (p.Val1832Gly). This variant is not present in population databases (gnomAD no frequency). This variant has not been reported in the literature in individuals affected with BRCA1-related conditions. ClinVar contains an entry for this variant (Variation ID: 868594). Advanced modeling performed at Invitae incorporating data from internal and/or published experimental studies (PMID: 30209399) indicates that this missense variant is expected to disrupt BRCA1 function with a positive predictive value of 95%. Experimental studies have shown that this missense change affects BRCA1 function (PMID: 32546644). In summary, the available evidence is currently insufficient to determine the role of this variant in disease. Therefore, it has been classified as a Variant of Uncertain Significance.

Brotman Baty Institute, University of Washington
No classification provided (evidence only). Condition: Breast-ovarian cancer, familial 1. Review status: no classification provided. Collection method: in vitro. Allele origin: not applicable. Functional consequence: functionally_abnormal. Not counted in ClinVar's aggregate classification.
ClinVar note: "not provided" was previously submitted as the classification for the variant. However, the classification appeared to be based only on an observation of functional data so it was converted to no classification on 2025-07-30.

Clinical Genetics Laboratory, Department of Pathology, Netherlands Cancer Institute
Classification: Uncertain significance. Review status: no assertion criteria provided. Collection method: clinical testing. Allele origin: germline. Affected: yes. Study: VKGL Data-share Consensus. Not counted in ClinVar's aggregate classification.

Diagnostic Laboratory, Department of Genetics, University Medical Center Groningen
Classification: Uncertain significance. Review status: no assertion criteria provided. Collection method: clinical testing. Allele origin: germline. Affected: yes. Study: VKGL Data-share Consensus. Not counted in ClinVar's aggregate classification.

Literature cited by the submitters: PubMed 30209399 (cited by Labcorp Genetics (formerly Invitae), Labcorp); PubMed 32546644 (cited by Labcorp Genetics (formerly Invitae), Labcorp).

NM_007294.4(BRCA1):c.5495T>G (p.Val1832Gly)

Gene: BRCA1 (BRCA1 DNA repair associated; minus strand). Cytogenetic location: 17q21.31.
Variant type: single nucleotide variant.
Coding change: c.5495T>G on transcript NM_007294.4 (MANE Select); coding-DNA position 5495, T replaced by G.
Protein change: p.Val1832Gly; replaces valine 1832 with glycine.
Molecular consequence: missense variant. On other transcripts: 3 prime UTR variant (1), non-coding transcript variant (1).
Genome position (GRCh38, 1-based): chr17:43,045,775, A>C on the plus strand (T>G on the coding strand, the complement: BRCA1 is on the minus strand). VCF-style: chr17-43045775-A-C. GRCh37 (hg19) VCF-style: chr17-41197792-A-C.
Other names: c.5279T>G, p.Val1760Gly (NM_001407916.1, NM_001407917.1, NM_001407918.1 and 1 more transcripts); c.5243T>G, p.Val1748Gly (NM_001407919.1); c.5231T>G, p.Val1744Gly (NM_001407920.1, NM_001407921.1, NM_001407922.1 and 4 more transcripts); c.2186T>G, p.Val729Gly (NM_001407974.1, NM_001407975.1, NM_001407976.1 and 3 more transcripts); c.2183T>G, p.Val728Gly (NM_001407979.1, NM_001407980.1, NM_001407981.1 and 11 more transcripts); c.2060T>G, p.Val687Gly (NM_001408437.1, NM_001408438.1, NM_001408439.1 and 10 more transcripts); c.2057T>G, p.Val686Gly (NM_001408445.1, NM_001408446.1, NM_001408447.1 and 2 more transcripts); c.2069T>G, p.Val690Gly (NM_001408418.1, NM_001408419.1, NM_001408420.1); and 74 more; short protein forms V1785G, V1832G, V1853G, V728G, V1703G, V1742G, V1760G, V1764G.
Identifiers: ClinVar variation 868594 (VCV000868594.10), dbSNP rs749290001, ClinGen allele CA10590315.